The following is an entry in ClinVar:

ClinVar aggregate classification (germline): Uncertain significance. Review status: criteria provided, multiple submitters, no conflicts (2 of 4 stars). 2 submissions from 2 submitters: Uncertain significance (2). Last evaluated 2025-11-17.

Conditions:
Ataxia-telangiectasia-like disorder (ATLD). Identifiers: MedGen C1858391, MONDO:0011457.
Hereditary cancer-predisposing syndrome. Also called: Neoplastic Syndromes, Hereditary; Tumor predisposition; Hereditary Cancer Syndrome; Hereditary neoplastic syndrome. Identifiers: Orphanet 140162, MedGen C0027672, MeSH D009386, MONDO:0015356.

Allele frequency attached by ClinVar (database versions not stated): gnomAD exomes below 0.00001; gnomAD 0.00001; TOPMed 0.00001.
gnomAD v4.1: 2 of 1,612,470 alleles (0.00012%); highest among the groups gnomAD compares: Non-Finnish European, 0.00017%; no homozygotes.

Submissions (2):

Ambry Genetics
Classification: Uncertain significance for Hereditary cancer-predisposing syndrome. Last evaluated: 2025-11-17. Review status: criteria provided, single submitter. Criteria: Ambry Variant Classification Scheme 2023. Collection method: clinical testing. Allele origin: germline.
Comment: The p.L240V variant (also known as c.718C>G), located in coding exon 7 of the MRE11A gene, results from a C to G substitution at nucleotide position 718. The leucine at codon 240 is replaced by valine, an amino acid with highly similar properties. This amino acid position is highly conserved in available vertebrate species. In addition, this alteration is predicted to be deleterious by in silico analysis. Since supporting evidence is limited at this time, the clinical significance of this alteration remains unclear.

Labcorp Genetics (formerly Invitae), Labcorp
Classification: Uncertain significance for Ataxia-telangiectasia-like disorder. Last evaluated: 2021-12-05. Review status: criteria provided, single submitter. Criteria: Invitae Variant Classification Sherloc (09022015). Collection method: clinical testing. Allele origin: germline.
Comment: ClinVar contains an entry for this variant (Variation ID: 187747). This variant has not been reported in the literature in individuals affected with MRE11-related conditions. This variant is present in population databases (rs786203969, gnomAD 0.0009%). This sequence change replaces leucine, which is neutral and non-polar, with valine, which is neutral and non-polar, at codon 240 of the MRE11 protein (p.Leu240Val). Algorithms developed to predict the effect of missense changes on protein structure and function are either unavailable or do not agree on the potential impact of this missense change (SIFT: "Deleterious"; PolyPhen-2: "Probably Damaging"; Align-GVGD: "Class C0"). In summary, the available evidence is currently insufficient to determine the role of this variant in disease. Therefore, it has been classified as a Variant of Uncertain Significance.

NM_005591.4(MRE11):c.718C>G (p.Leu240Val)

Gene: MRE11 (MRE11 double strand break repair nuclease; minus strand). Cytogenetic location: 11q21.
Variant type: single nucleotide variant.
Coding change: c.718C>G on transcript NM_005591.4 (MANE Select); coding-DNA position 718, C replaced by G.
Protein change: p.Leu240Val; replaces leucine 240 with valine.
Molecular consequence: missense variant.
Genome position (GRCh38, 1-based): chr11:94,471,701, G>C on the plus strand (C>G on the coding strand, the complement: MRE11 is on the minus strand). VCF-style: chr11-94471701-G-C. GRCh37 (hg19) VCF-style: chr11-94204867-G-C.
Other names: c.718C>G, p.Leu240Val (NM_001330347.2, NM_005590.4); short protein forms L240V.
Identifiers: ClinVar variation 187747 (VCV000187747.11), dbSNP rs786203969, ClinGen allele CA198465.